The following is an entry in ClinVar:

ClinVar aggregate classification (germline): Uncertain significance. Review status: criteria provided, multiple submitters, no conflicts (2 of 4 stars). 2 submissions from 2 submitters: Uncertain significance (2). Last evaluated 2024-12-29.

Conditions:
Hereditary cancer-predisposing syndrome. Also called: Tumor predisposition; Hereditary Cancer Syndrome; Hereditary neoplastic syndrome; Neoplastic Syndromes, Hereditary. Identifiers: Orphanet 140162, MedGen C0027672, MeSH D009386, MONDO:0015356.
Rhabdoid tumor predisposition syndrome 2 (RTPS2). Identifiers: Orphanet 231108, Orphanet 69077, MedGen C2750074, MONDO:0013224, OMIM 613325.

Allele frequency attached by ClinVar (database versions not stated): gnomAD exomes below 0.00001.

Submissions (2):

Ambry Genetics
Classification: Uncertain significance for Hereditary cancer-predisposing syndrome. Last evaluated: 2024-12-29. Review status: criteria provided, single submitter. Criteria: Ambry Variant Classification Scheme 2023. Collection method: clinical testing. Allele origin: germline.
Comment: The p.T58I variant (also known as c.173C>T), located in coding exon 1 of the SMARCA4 gene, results from a C to T substitution at nucleotide position 173. The threonine at codon 58 is replaced by isoleucine, an amino acid with similar properties. This amino acid position is conserved. In addition, this alteration is predicted to be tolerated by in silico analysis. Based on the available evidence, the clinical significance of this variant remains unclear.

Labcorp Genetics (formerly Invitae), Labcorp
Classification: Uncertain significance for Rhabdoid tumor predisposition syndrome 2. Last evaluated: 2024-12-12. Review status: criteria provided, single submitter. Criteria: Invitae Variant Classification Sherloc (09022015). Collection method: clinical testing. Allele origin: germline.
Comment: This sequence change replaces threonine, which is neutral and polar, with isoleucine, which is neutral and non-polar, at codon 58 of the SMARCA4 protein (p.Thr58Ile). This variant is not present in population databases (gnomAD no frequency). This variant has not been reported in the literature in individuals affected with SMARCA4-related conditions. ClinVar contains an entry for this variant (Variation ID: 537776). An algorithm developed to predict the effect of missense changes on protein structure and function (PolyPhen-2) suggests that this variant is likely to be tolerated. In summary, the available evidence is currently insufficient to determine the role of this variant in disease. Therefore, it has been classified as a Variant of Uncertain Significance.

NM_003072.5(SMARCA4):c.173C>T (p.Thr58Ile)

Gene: SMARCA4 (SWI/SNF related BAF chromatin remodeling complex subunit ATPase 4; plus strand). Cytogenetic location: 19p13.2.
Variant type: single nucleotide variant.
Coding change: c.173C>T on transcript NM_003072.5 (MANE Select); coding-DNA position 173, C replaced by T.
Protein change: p.Thr58Ile; replaces threonine 58 with isoleucine.
Molecular consequence: missense variant. On other transcripts: non-coding transcript variant (1).
Genome position (GRCh38, 1-based): chr19:10,984,324, C>T. VCF-style: chr19-10984324-C-T. GRCh37 (hg19) VCF-style: chr19-11095000-C-T.
Other names: c.173C>T, p.Thr58Ile (NM_001128844.3, NM_001128845.2, NM_001128846.2 and 5 more transcripts); short protein forms T58I.
Identifiers: ClinVar variation 537776 (VCV000537776.9), dbSNP rs1555750978, ClinGen allele CA404054552.
Genomic context (GRCh38, chr19:10,984,324, plus strand): 5'-CCGCCCACAGCATGATGGGGCCCAGCCCAGGGCCGCCCTCAGCAGGACACCCCATCCCCA[C>T]CCAGGGGCCTGGAGGGTACCCTCAGGACAACATGCACCAGATGCACAAGGTAGGGATCCC-3'
Protein context (NP_003063.2, residues 48-68): GPPSAGHPIP[Thr58Ile]QGPGGYPQDN